The following is an entry in ClinVar:

NM_006005.3(WFS1):c.2005T>C (p.Tyr669His)

Gene: WFS1 (wolframin ER transmembrane glycoprotein; plus strand). Cytogenetic location: 4p16.1.
Variant type: single nucleotide variant.
Coding change: c.2005T>C on transcript NM_006005.3 (MANE Select); coding-DNA position 2005, T replaced by C.
Protein change: p.Tyr669His; replaces tyrosine 669 with histidine.
Molecular consequence: missense variant.
Genome position (GRCh38, 1-based): chr4:6,301,800, T>C. VCF-style: chr4-6301800-T-C. GRCh37 (hg19) VCF-style: chr4-6303527-T-C.
Other names: c.2005T>C, p.Tyr669His (NM_001145853.1); short protein forms Y669H.
Identifiers: ClinVar variation 1458745 (VCV001458745.8), dbSNP rs1730934090, ClinGen allele CA356177271.

ClinVar aggregate classification (germline): Pathogenic (1 of 4 stars; one submission).

Allele frequency attached by ClinVar (database versions not stated): gnomAD 0.00001.

Submission:

Labcorp Genetics (formerly Invitae), Labcorp
Classification: Pathogenic. Last evaluated: 2021-02-11. Review status: criteria provided, single submitter. Criteria: Invitae Variant Classification Sherloc (09022015). Collection method: clinical testing. Allele origin: germline.
Comment: For these reasons, this variant has been classified as Pathogenic. Advanced modeling of protein sequence and biophysical properties (such as structural, functional, and spatial information, amino acid conservation, physicochemical variation, residue mobility, and thermodynamic stability) performed at Invitae indicates that this missense variant is expected to disrupt WFS1 protein function. This variant has been observed in individual(s) with autosomal dominant nonsyndromic low-frequency sensorineural deafness (PMID: 17517145). It has also been observed to segregate with disease in related individuals. This variant is not present in population databases (ExAC no frequency). This sequence change replaces tyrosine with histidine at codon 669 of the WFS1 protein (p.Tyr669His). The tyrosine residue is highly conserved and there is a moderate physicochemical difference between tyrosine and histidine.

Literature cited by the submitters: PubMed 17517145.